The following is an entry in ClinVar:

ClinVar aggregate classification (germline): Pathogenic (1 of 4 stars; one submission).

Conditions:
Hydrocephalus, nonsyndromic, autosomal recessive 1 (HYC1). Also called: Hydrocephalus, nonsyndromic, autosomal recessive; Congenital hydrocephalus 1. Identifiers: Orphanet 2185, MedGen C3887608, MONDO:0009360, OMIM 236600.

Submission:

Myriad Genetics, Inc.
Classification: Pathogenic for Hydrocephalus, nonsyndromic, autosomal recessive 1. Last evaluated: 2026-06-04. Review status: criteria provided, single submitter. Criteria: Myriad Autosomal Dominant, Autosomal Recessive and X-Linked Classification Criteria (2023). Collection method: clinical testing. Allele origin: unknown.
Comment: NM_001080414.3(CCDC88C):c.3025_3031del7(T1009Gfs*45) is expected to be pathogenic in the context of congenital hydrocephalus, CCDC88C-related. This variant is predicted to lead to an abnormal or absent protein product due to the creation of a premature termination codon in CCDC88C, a gene where loss-of-function variants are known to be pathogenic. Please note: this variant was assessed in the context of healthy population screening.

NM_001080414.4(CCDC88C):c.3025_3031del (p.Thr1009fs)

Gene: CCDC88C (coiled-coil and HOOK domain protein 88C; minus strand). Cytogenetic location: 14q32.11.
Variant type: Deletion.
Coding change: c.3025_3031del on transcript NM_001080414.4 (MANE Select); coding-DNA positions 3025 to 3031, 7 bases deleted (ACCCTCA; older notation c.3025_3031delACCCTCA).
Protein change: p.Thr1009fs; shifts the reading frame from threonine 1009.
Molecular consequence: frameshift variant. On other transcripts: non-coding transcript variant (2).
Genome position (GRCh38, 1-based): chr14:91,307,202-91,307,208, TGAGGGT deleted on the plus strand (ACCCTCA on the coding strand, the reverse complement: CCDC88C is on the minus strand). VCF-style (leftmost placement, unchanged base first): chr14-91307201-CTGAGGGT-C. GRCh37 (hg19) VCF-style: chr14-91773545-CTGAGGGT-C.
Other names: short protein forms T1009fs.
Identifiers: ClinVar variation 5015988 (VCV005015988.1).
Genomic context (GRCh38, chr14:91,307,201, plus strand): 5'-GTCTTCCCCGCAGGGTGCTTGAAAGAGTTCTGCAAGTGCTGCCCCTCTCCCTGGTTCTGC[CTGAGGGT>C]CTCACACTCCTTCTTTAGCTACAGGTGTGACAATAAGCAAGGAGGCTTTAGGCGGAAGCA-3'